The following is an entry in ClinVar:

ClinVar aggregate classification (germline): Likely pathogenic. Review status: criteria provided, multiple submitters, no conflicts (2 of 4 stars). 2 submissions from 2 submitters: Likely pathogenic (2). Last evaluated 2026-01-28.

Conditions:
Familial hypokalemia-hypomagnesemia (GTLMNS). Also called: HYPOMAGNESEMIA-HYPOKALEMIA, PRIMARY RENOTUBULAR, WITH HYPOCALCIURIA; POTASSIUM AND MAGNESIUM DEPLETION; gitelman syndrome. Identifiers: Orphanet 358, MedGen C0268450, MONDO:0009904, OMIM 263800.

Submissions (2):

Labcorp Genetics (formerly Invitae), Labcorp
Classification: Likely pathogenic. Last evaluated: 2026-01-28. Review status: criteria provided, single submitter. Criteria: Invitae Variant Classification Sherloc (09022015). Collection method: clinical testing. Allele origin: germline.
Comment: This sequence change replaces glycine, which is neutral and non-polar, with valine, which is neutral and non-polar, at codon 201 of the SLC12A3 protein (p.Gly201Val). This variant is not present in population databases (gnomAD no frequency). This missense change has been observed in individual(s) with Gitelman syndrome (PMID: 21415153, 31672324, 36302598; internal data). In at least one individual the data is consistent with being in trans (on the opposite chromosome) from a pathogenic variant. It has also been observed to segregate with disease in related individuals. ClinVar contains an entry for this variant (Variation ID: 1408401). An algorithm developed to predict the effect of missense changes on protein structure and function (PolyPhen-2) suggests that this variant is likely to be disruptive. Studies have shown that this missense change alters mRNA splicing and is expected to lead to the loss of protein expression (PMID: 36597580). In summary, the currently available evidence indicates that the variant is pathogenic, but additional data are needed to prove that conclusively. Therefore, this variant has been classified as Likely Pathogenic.

European Hospital Georges Pompidou Genetics Department, Assistance Publique - Hôpitaux de Paris AP-HP
Classification: Likely pathogenic for Familial hypokalemia-hypomagnesemia. Last evaluated: 2022-04-27. Review status: criteria provided, single submitter. Criteria: ACMG Guidelines, 2015. Collection method: clinical testing. Allele origin: germline. Affected: yes.
Comment: ACMG criteria used:PM1, PM2, PP3, PP5

Literature cited by the submitters: PubMed 21415153 (cited by Labcorp Genetics (formerly Invitae), Labcorp); PubMed 31672324 (cited by Labcorp Genetics (formerly Invitae), Labcorp); PubMed 36302598 (cited by Labcorp Genetics (formerly Invitae), Labcorp); PubMed 36597580 (cited by Labcorp Genetics (formerly Invitae), Labcorp).

NM_001126108.2(SLC12A3):c.602G>T (p.Gly201Val)

Gene: SLC12A3 (solute carrier family 12 member 3; plus strand). Cytogenetic location: 16q13.
Variant type: single nucleotide variant.
Coding change: c.602G>T on transcript NM_001126108.2 (MANE Select); coding-DNA position 602, G replaced by T.
Protein change: p.Gly201Val; replaces glycine 201 with valine.
Molecular consequence: missense variant.
Genome position (GRCh38, 1-based): chr16:56,870,096, G>T. VCF-style: chr16-56870096-G-T. GRCh37 (hg19) VCF-style: chr16-56904008-G-T.
Other names: c.602G>T, p.Gly201Val (NM_000339.3); c.599G>T, p.Gly200Val (NM_001126107.2); short protein forms G201V, G200V.
Identifiers: ClinVar variation 1408401 (VCV001408401.7), dbSNP rs2144689378, ClinGen allele CA395981416.